The following is an entry in ClinVar:

ClinVar aggregate classification (germline): Pathogenic (1 of 4 stars; one submission).

Conditions:
Glycogen storage disease, type V (GSD5). Also called: MCARDLE DISEASE; MUSCLE GLYCOGEN PHOSPHORYLASE DEFICIENCY; MYOPHOSPHORYLASE DEFICIENCY; PYGM DEFICIENCY; McArdle type glycogen storage disease. Identifiers: Orphanet 368, MedGen C0017924, MONDO:0009293, OMIM 232600.

Submission:

Labcorp Genetics (formerly Invitae), Labcorp
Classification: Pathogenic for Glycogen storage disease, type V. Last evaluated: 2022-05-05. Review status: criteria provided, single submitter. Criteria: Invitae Variant Classification Sherloc (09022015). Collection method: clinical testing. Allele origin: germline.
Comment: For these reasons, this variant has been classified as Pathogenic. This variant has not been reported in the literature in individuals affected with PYGM-related conditions. This variant is not present in population databases (gnomAD no frequency). This sequence change creates a premature translational stop signal (p.Trp245*) in the PYGM gene. It is expected to result in an absent or disrupted protein product. Loss-of-function variants in PYGM are known to be pathogenic (PMID: 8316268, 16786513).

Literature cited by the submitters: PubMed 8316268; PubMed 16786513.

NM_005609.4(PYGM):c.734G>A (p.Trp245Ter)

Gene: PYGM (glycogen phosphorylase, muscle associated; minus strand). Cytogenetic location: 11q13.1.
Variant type: single nucleotide variant.
Coding change: c.734G>A on transcript NM_005609.4 (MANE Select); coding-DNA position 734, G replaced by A.
Protein change: p.Trp245Ter; replaces tryptophan 245 with a stop codon.
Molecular consequence: nonsense.
Genome position (GRCh38, 1-based): chr11:64,755,485, C>T on the plus strand (G>A on the coding strand, the complement: PYGM is on the minus strand). VCF-style: chr11-64755485-C-T. GRCh37 (hg19) VCF-style: chr11-64522957-C-T.
Other names: c.470G>A, p.Trp157Ter (NM_001164716.1); short protein forms W157*, W245*.
Identifiers: ClinVar variation 1451837 (VCV001451837.6), dbSNP rs2135836483, ClinGen allele CA381180240.